The following is an entry in ClinVar:

NM_000384.3(APOB):c.5926G>T (p.Glu1976Ter)

Gene: APOB (apolipoprotein B; minus strand). Cytogenetic location: 2p24.1.
Variant type: single nucleotide variant.
Coding change: c.5926G>T on transcript NM_000384.3 (MANE Select); coding-DNA position 5926, G replaced by T.
Protein change: p.Glu1976Ter; replaces glutamic acid 1976 with a stop codon.
Molecular consequence: nonsense.
Genome position (GRCh38, 1-based): chr2:21,010,942, C>A on the plus strand (G>T on the coding strand, the complement: APOB is on the minus strand). VCF-style: chr2-21010942-C-A. GRCh37 (hg19) VCF-style: chr2-21233814-C-A.
Other names: short protein forms E1976*.
Identifiers: ClinVar variation 3752738 (VCV003752738.2), dbSNP rs267599184.

ClinVar aggregate classification (germline): Pathogenic (1 of 4 stars; one submission).

Conditions:
Familial hypobetalipoproteinemia 1. Also called: APOB-Related Familial Hypobetalipoproteinemia; Hypobetalipoproteinemia, normotriglyceridemic; Acanthocytosis with hypobetalipoproteinemia. Identifiers: MedGen C4551990, MONDO:0014252, OMIM 615558.
Hypercholesterolemia, autosomal dominant, type B (FHCL2). Also called: Familial Hypercholesterolemia Type B; APOLIPOPROTEIN B-100, FAMILIAL DEFECTIVE; APOLIPOPROTEIN B-100, FAMILIAL LIGAND-DEFECTIVE; HYPERCHOLESTEROLEMIA, FAMILIAL, DUE TO LIGAND-DEFECTIVE APOLIPOPROTEIN B; Hyperlipoproteinemia Type IIb; Familial hypercholesterolemia 2. Identifiers: MedGen C1704417, MONDO:0007751, OMIM 144010.

Allele frequency attached by ClinVar (database versions not stated): gnomAD 0.00001; gnomAD exomes 0.00001.
gnomAD v4.1: 15 of 1,614,014 alleles (0.00093%); highest among the groups gnomAD compares: Non-Finnish European, 0.001%; no homozygotes.

Submission:

Labcorp Genetics (formerly Invitae), Labcorp
Classification: Pathogenic for Familial hypobetalipoproteinemia 1; Hypercholesterolemia, autosomal dominant, type B. Last evaluated: 2025-05-06. Review status: criteria provided, single submitter. Criteria: Invitae Variant Classification Sherloc (09022015). Collection method: clinical testing. Allele origin: germline.
Comment: This sequence change creates a premature translational stop signal (p.Glu1976*) in the APOB gene. It is expected to result in an absent or disrupted protein product. Loss-of-function variants in APOB are known to be pathogenic (PMID: 20032471). This variant is present in population databases (rs267599184, gnomAD 0.002%). This variant has not been reported in the literature in individuals affected with APOB-related conditions. ClinVar contains an entry for this variant (Variation ID: 3752738). For these reasons, this variant has been classified as Pathogenic.

Literature cited by the submitters: PubMed 20032471.